The following is an entry in ClinVar:

ClinVar aggregate classification (germline): Conflicting classifications of pathogenicity. Review status: criteria provided, conflicting classifications (1 of 4 stars). 3 submissions from 3 submitters: Uncertain significance (2); Likely benign (1). Last evaluated 2026-05-31.

Conditions:
Inborn genetic diseases. Identifiers: MedGen C0950123, MeSH D030342.
TRIP4-related disorder. Also called: TRIP4-related disorders; TRIP4-related condition.

gnomAD v4.1: 16 of 1,613,604 alleles (0.00099%); highest among the groups gnomAD compares: Admixed American, 0.0017%; no homozygotes.

Submissions (3):

Ambry Genetics
Classification: Likely benign for Inborn genetic diseases. Last evaluated: 2026-05-31. Review status: criteria provided, single submitter. Criteria: Ambry Variant Classification Scheme 2023. Collection method: clinical testing. Allele origin: germline.

Labcorp Genetics (formerly Invitae), Labcorp
Classification: Uncertain significance. Last evaluated: 2023-10-03. Review status: criteria provided, single submitter. Criteria: Invitae Variant Classification Sherloc (09022015). Collection method: clinical testing. Allele origin: germline.
Comment: This sequence change replaces glutamic acid, which is acidic and polar, with aspartic acid, which is acidic and polar, at codon 412 of the TRIP4 protein (p.Glu412Asp). This variant is present in population databases (no rsID available, gnomAD 0.0009%). This variant has not been reported in the literature in individuals affected with TRIP4-related conditions. ClinVar contains an entry for this variant (Variation ID: 1986306). Advanced modeling of protein sequence and biophysical properties (such as structural, functional, and spatial information, amino acid conservation, physicochemical variation, residue mobility, and thermodynamic stability) performed at Invitae indicates that this missense variant is not expected to disrupt TRIP4 protein function. In summary, the available evidence is currently insufficient to determine the role of this variant in disease. Therefore, it has been classified as a Variant of Uncertain Significance.

PreventionGenetics, part of Exact Sciences
Classification: Uncertain significance for TRIP4-related condition. Last evaluated: 2023-09-20. Review status: criteria provided, single submitter. Criteria: ACMG Guidelines, 2015. Collection method: clinical testing. Allele origin: germline.
Comment: The TRIP4 c.1236G>C variant is predicted to result in the amino acid substitution p.Glu412Asp. To our knowledge, this variant has not been reported in the literature. This variant is reported in 0.00088% of alleles in individuals of European (Non-Finnish) descent in gnomAD. At this time, the clinical significance of this variant is uncertain due to the absence of conclusive functional and genetic evidence.

NM_016213.5(TRIP4):c.1236G>C (p.Glu412Asp)

Gene: TRIP4 (thyroid hormone receptor interactor 4; plus strand). Cytogenetic location: 15q22.31.
Variant type: single nucleotide variant.
Coding change: c.1236G>C on transcript NM_016213.5 (MANE Select); coding-DNA position 1236, G replaced by C.
Protein change: p.Glu412Asp; replaces glutamic acid 412 with aspartic acid.
Molecular consequence: missense variant. On other transcripts: non-coding transcript variant (1).
Genome position (GRCh38, 1-based): chr15:64,418,606, G>C. VCF-style: chr15-64418606-G-C. GRCh37 (hg19) VCF-style: chr15-64710805-G-C.
Other names: c.546G>C, p.Glu182Asp (NM_001321924.2); c.1236G>C (NM_016213.4); short protein forms E182D, E412D.
Identifiers: ClinVar variation 1986306 (VCV001986306.6), dbSNP rs1046135890, ClinGen allele CA271408948.
Genomic context (GRCh38, chr15:64,418,606, plus strand): 5'-TGACCACACAGGTGCAGCCTCACAGAAGAAGGCTTTCCGTTCTTCAGGATTTGGACTAGA[G>C]TTCAACTCATTTCAGCACCAGTTGCGAATCCAGGATCAAGAATTTCAGGAAGGCTTTGAT-3'
Protein context (NP_057297.2, residues 402-422): KAFRSSGFGL[Glu412Asp]FNSFQHQLRI